The following is an entry in ClinVar:

ClinVar aggregate classification (germline): Pathogenic (1 of 4 stars; one submission).

Conditions:
Osteogenesis imperfecta type I (OI1). Also called: Lobstein disease; Classic Non-deforming Osteogenesis Imperfecta with Blue Sclerae; OI, TYPE I; OSTEOGENESIS IMPERFECTA TARDA; OSTEOGENESIS IMPERFECTA WITH BLUE SCLERAE; Osteogenesis imperfecta type 1. Identifiers: Orphanet 216796, Orphanet 666, MedGen C0023931, MONDO:0008146, OMIM 166200. Disease mechanism: loss of function.

Submission:

Labcorp Genetics (formerly Invitae), Labcorp
Classification: Pathogenic for Osteogenesis imperfecta type I. Last evaluated: 2025-04-22. Review status: criteria provided, single submitter. Criteria: Invitae Variant Classification Sherloc (09022015). Collection method: clinical testing. Allele origin: germline.
Comment: This sequence change creates a premature translational stop signal (p.Gly278Glufs*263) in the COL1A1 gene. It is expected to result in an absent or disrupted protein product. Loss-of-function variants in COL1A1 are known to be pathogenic (PMID: 7942841, 9295084, 9443882). This variant is not present in population databases (gnomAD no frequency). This variant has not been reported in the literature in individuals affected with COL1A1-related conditions. For these reasons, this variant has been classified as Pathogenic.

Literature cited by the submitters: PubMed 7942841; PubMed 9295084; PubMed 9443882.

NM_000088.4(COL1A1):c.833del (p.Gly278fs)

Genes: COL1A1 (collagen type I alpha 1 chain; minus strand), LOC126862586 (CDK7 strongly-dependent group 2 enhancer GRCh37_chr17:48273702-48274901; plus strand). Cytogenetic location: 17q21.33.
Variant type: Deletion.
Coding change: c.833del on transcript NM_000088.4 (MANE Select); coding-DNA position 833, one base deleted (G; older notation c.833delG).
Protein change: p.Gly278fs; shifts the reading frame from glycine 278.
Molecular consequence: frameshift variant.
Genome position (GRCh38, 1-based): chr17:50,196,642, C deleted on the plus strand (G on the coding strand, the reverse complement: COL1A1 is on the minus strand); the first of 3 consecutive C bases (chr17:50,196,642-50,196,644); deleting any one gives the same sequence. VCF-style (leftmost placement, unchanged base first): chr17-50196641-TC-T. GRCh37 (hg19) VCF-style: chr17-48274002-TC-T.
Other names: short protein forms G278fs.
Identifiers: ClinVar variation 4717755 (VCV004717755.1).